The following is an entry in ClinVar:

NM_152564.5(VPS13B):c.8386dup (p.Ile2796fs)

Gene: VPS13B (vacuolar protein sorting 13 homolog B; plus strand). Cytogenetic location: 8q22.2.
Variant type: Duplication.
Coding change: c.8386dup on transcript NM_152564.5 (MANE Select); coding-DNA position 8386, one base duplicated (A; older notation c.8386dupA).
Protein change: p.Ile2796fs; shifts the reading frame from isoleucine 2796.
Molecular consequence: frameshift variant.
Genome position (GRCh38, 1-based): chr8:99,818,475, A duplicated. VCF-style (leftmost placement, unchanged base first): chr8-99818474-T-TA. GRCh37 (hg19) VCF-style: chr8-100830702-T-TA.
Other names: c.8461dup, p.Ile2821fs (NM_017890.5); short protein forms I2796fs, I2821fs.
Identifiers: ClinVar variation 2743618 (VCV002743618.3), dbSNP rs2492009076, ClinGen allele CA2697550095.

ClinVar aggregate classification (germline): Pathogenic (1 of 4 stars; one submission).

Conditions:
Cohen syndrome (COH1). Also called: Cutis verticis gyrata, retinitis pigmentosa, and sensorineural deafness; PEPPER SYNDROME. Identifiers: Orphanet 193, MedGen C0265223, MONDO:0008999, OMIM 216550.

Submission:

Labcorp Genetics (formerly Invitae), Labcorp
Classification: Pathogenic for Cohen syndrome. Last evaluated: 2023-07-16. Review status: criteria provided, single submitter. Criteria: Invitae Variant Classification Sherloc (09022015). Collection method: clinical testing. Allele origin: germline.
Comment: This sequence change creates a premature translational stop signal (p.Ile2821Asnfs*50) in the VPS13B gene. It is expected to result in an absent or disrupted protein product. Loss-of-function variants in VPS13B are known to be pathogenic (PMID: 15141358, 16648375, 20461111). For these reasons, this variant has been classified as Pathogenic. This variant has not been reported in the literature in individuals affected with VPS13B-related conditions. This variant is not present in population databases (gnomAD no frequency).

Literature cited by the submitters: PubMed 15141358; PubMed 16648375; PubMed 20461111.